The following is an entry in ClinVar:

NM_000642.3(AGL):c.2810A>G (p.Gln937Arg)

Gene: AGL (amylo-alpha-1,6-glucosidase and 4-alpha-glucanotransferase; plus strand). Cytogenetic location: 1p21.2.
Variant type: single nucleotide variant.
Coding change: c.2810A>G on transcript NM_000642.3 (MANE Select); coding-DNA position 2810, A replaced by G.
Protein change: p.Gln937Arg; replaces glutamine 937 with arginine.
Molecular consequence: missense variant.
Genome position (GRCh38, 1-based): chr1:99,888,106, A>G. VCF-style: chr1-99888106-A-G. GRCh37 (hg19) VCF-style: chr1-100353662-A-G.
Other names: p.Gln937Arg; c.2810A>G, p.Gln937Arg (NM_000028.3, NM_000643.3, NM_000644.3 and 2 more transcripts); c.2762A>G, p.Gln921Arg (NM_000646.3); c.2609A>G, p.Gln870Arg (NM_001425327.1); c.2606A>G, p.Gln869Arg (NM_001425328.1); c.2471A>G, p.Gln824Arg (NM_001425329.1); c.2432A>G, p.Gln811Arg (NM_001425332.1); short protein forms Q869R, Q921R, Q937R, Q811R, Q870R, Q824R.
Identifiers: ClinVar variation 4541335 (VCV004541335.1).

ClinVar aggregate classification (germline): Uncertain significance (1 of 4 stars; one submission).

Submission:

Mayo Clinic Laboratories, Mayo Clinic
Classification: Uncertain significance. Last evaluated: 2025-09-19. Review status: criteria provided, single submitter. Criteria: ACMG Guidelines, 2015. Collection method: clinical testing. Allele origin: germline. Observed: 1 variant allele.
Comment: PP3, PM2_supporting